The following is an entry in ClinVar:

NM_212482.4(FN1):c.7018+7A>G

Genes: ATIC (5-aminoimidazole-4-carboxamide ribonucleotide formyltransferase/IMP cyclohydrolase; plus strand), FN1 (fibronectin 1; minus strand). Cytogenetic location: 2q35.
Variant type: single nucleotide variant.
Coding change: c.7018+7A>G on transcript NM_212482.4 (MANE Select); 7 bases into the intron after coding-DNA position 7018, A replaced by G.
Molecular consequence: intron variant.
Genome position (GRCh38, 1-based): chr2:215,367,856, T>C on the plus strand (A>G on the coding strand, the complement: FN1 is on the minus strand). VCF-style: chr2-215367856-T-C. GRCh37 (hg19) VCF-style: chr2-216232579-T-C.
Other names: c.6115+7A>G (NM_212474.3); c.6307+7A>G (NM_001306132.2); c.6400+7A>G (NM_001365523.2); c.6382+7A>G (NM_001306131.2); c.6475+7A>G (NM_212476.3); c.6385+7A>G (NM_001365524.2); c.6577+7A>G (NM_212478.3); c.6670+7A>G (NM_001365520.2); and 8 more.
Identifiers: ClinVar variation 775184 (VCV000775184.34), dbSNP rs186401678, ClinGen allele CA2093693.

ClinVar aggregate classification (germline): Benign. Review status: criteria provided, multiple submitters, no conflicts (2 of 4 stars). 3 submissions from 3 submitters: Benign (3). Last evaluated 2026-07-01.

Allele frequency attached by ClinVar (database versions not stated): ESP Exome Variant Server 0.00023; gnomAD 0.00043 and 0.00084; TOPMed 0.00053; gnomAD exomes 0.00107 and 0.00206; ExAC 0.00236; 1000 Genomes Project 30x 0.00312; 1000 Genomes Project 0.00339.
gnomAD v4.1: 1,714 of 1,613,810 alleles (0.11%); highest among the groups gnomAD compares: South Asian, 1.1%; 19 homozygotes.

Submissions (3):

CeGaT Center for Human Genetics Tuebingen
Classification: Benign. Last evaluated: 2026-07-01. Review status: criteria provided, single submitter. Criteria: CeGaT Center For Human Genetics Tuebingen Variant Classification Criteria Version 2. Collection method: clinical testing. Allele origin: germline. Affected: yes. Observed: 2 variant alleles.
Comment: FN1: BS1, BS2

Labcorp Genetics (formerly Invitae), Labcorp
Classification: Benign. Last evaluated: 2026-01-21. Review status: criteria provided, single submitter. Criteria: Invitae Variant Classification Sherloc (09022015). Collection method: clinical testing. Allele origin: germline.

Breakthrough Genomics
Classification: Benign. Review status: criteria provided, single submitter. Criteria: ACMG Guidelines, 2015. Collection method: not provided. Allele origin: germline. Inheritance: Autosomal dominant inheritance. Affected: yes.